The following is an entry in ClinVar:

ClinVar aggregate classification (germline): Conflicting classifications of pathogenicity. Review status: criteria provided, conflicting classifications (1 of 4 stars). 4 submissions from 4 submitters: Pathogenic (1); Likely pathogenic (2); Uncertain significance (1). Last evaluated 2023-11-08.

Conditions:
Spastic paraplegia. Identifiers: MedGen C0037772, HP:0001258.
Allan-Herndon-Dudley syndrome (AHDS). Also called: MENTAL RETARDATION AND MUSCULAR ATROPHY; T3 RESISTANCE; TRIIODOTHYRONINE RESISTANCE; ALLAN-HERNDON SYNDROME; Passos-Bueno syndrome. Identifiers: Orphanet 59, MedGen C0795889, MONDO:0010354, OMIM 300523.

Submissions (4):

Labcorp Genetics (formerly Invitae), Labcorp
Classification: Pathogenic for Spastic paraplegia. Last evaluated: 2023-11-08. Review status: criteria provided, single submitter. Criteria: Invitae Variant Classification Sherloc (09022015). Collection method: clinical testing. Allele origin: germline.
Comment: This sequence change replaces arginine, which is basic and polar, with histidine, which is basic and polar, at codon 197 of the SLC16A2 protein (p.Arg197His). This variant is not present in population databases (gnomAD no frequency). This missense change has been observed in individual(s) with clinical features of SLC16A2-related disorders and/or MCT8-specific thyroid hormone cell membrane transporter deficiency (PMID: 16957765, 21836662, 31410843, 32559475, 33504798, 33860439; Invitae). In at least one individual the variant was observed to be de novo. This variant is also known as p.Arg271His. ClinVar contains an entry for this variant (Variation ID: 167691). Advanced modeling of protein sequence and biophysical properties (such as structural, functional, and spatial information, amino acid conservation, physicochemical variation, residue mobility, and thermodynamic stability) performed at Invitae indicates that this missense variant is expected to disrupt SLC16A2 protein function with a positive predictive value of 80%. Experimental studies are conflicting or provide insufficient evidence to determine the effect of this variant on SLC16A2 function (PMID: 16957765, 25527620, 31127274). For these reasons, this variant has been classified as Pathogenic.

CeGaT Center for Human Genetics Tuebingen
Classification: Likely pathogenic. Last evaluated: 2023-07-01. Review status: criteria provided, single submitter. Criteria: CeGaT Center For Human Genetics Tuebingen Variant Classification Criteria Version 2. Collection method: clinical testing. Allele origin: germline. Affected: yes. Observed: 2 variant alleles.
Comment: SLC16A2: PM2, PS3:Moderate, PP4, PS2:Supporting

Genomic Medicine Lab, University of California San Francisco
Classification: Likely pathogenic for Allan-Herndon-Dudley syndrome. Last evaluated: 2020-08-06. Review status: criteria provided, single submitter. Criteria: ACMG Guidelines, 2015. Collection method: clinical testing. Allele origin: de novo. Inheritance: Autosomal dominant inheritance. Affected: yes. Study: CSER-P3EGS.

Eurofins Ntd Llc (ga)
Classification: Uncertain significance. Last evaluated: 2014-03-24. Review status: criteria provided, single submitter. Criteria: EGL Classification Definitions 2015. Collection method: clinical testing. Allele origin: germline. Observed: 1 variant allele, 1 hemizygote.

Literature cited by the submitters: PubMed 16957765 (cited by Labcorp Genetics (formerly Invitae), Labcorp); PubMed 21836662 (cited by Labcorp Genetics (formerly Invitae), Labcorp); PubMed 31410843 (cited by Labcorp Genetics (formerly Invitae), Labcorp); PubMed 32559475 (cited by Labcorp Genetics (formerly Invitae), Labcorp); PubMed 33504798 (cited by Labcorp Genetics (formerly Invitae), Labcorp); PubMed 33860439 (cited by Labcorp Genetics (formerly Invitae), Labcorp); PubMed 25527620 (cited by Labcorp Genetics (formerly Invitae), Labcorp); PubMed 31127274 (cited by Labcorp Genetics (formerly Invitae), Labcorp).

NM_006517.5(SLC16A2):c.590G>A (p.Arg197His)

Gene: SLC16A2 (solute carrier family 16 member 2; plus strand). Cytogenetic location: Xq13.2.
Variant type: single nucleotide variant.
Coding change: c.590G>A on transcript NM_006517.5 (MANE Select); coding-DNA position 590, G replaced by A.
Protein change: p.Arg197His; replaces arginine 197 with histidine.
Molecular consequence: missense variant.
Genome position (GRCh38, 1-based): chrX:74,524,373, G>A. VCF-style: chrX-74524373-G-A. GRCh37 (hg19) VCF-style: chrX-73744208-G-A.
Other names: short protein forms R197H.
Identifiers: ClinVar variation 167691 (VCV000167691.34), dbSNP rs727504155, ClinGen allele CA234941.